The following is an entry in ClinVar:

ClinVar aggregate classification (germline): Pathogenic (1 of 4 stars; one submission).

Conditions:
Ehlers-Danlos syndrome, type 4 (EDSVASC). Also called: Ehlers-Danlos syndrome vascular type; Ehlers Danlos syndrome, ecchymotic type; Ehlers Danlos syndrome, arterial type; Ehlers Danlos syndrome, Sack-Barabas type; Ehlers-Danlos Syndrome Type IV. Identifiers: Orphanet 286, MedGen C0268338, MONDO:0017314, OMIM 130050.

Submission:

MVZ Medizinische Genetik Mainz
Classification: Pathogenic for Ehlers-Danlos syndrome, type 4. Last evaluated: 2026-08-26. Review status: criteria provided, single submitter. Criteria: UK Practice Guidelines For Variant Classification V4 01 2020. Collection method: clinical testing. Allele origin: germline. Inheritance: Autosomal dominant inheritance. Affected: yes. Observed: 1 variant allele.
Comment: ACMG Criteria: PM1_STR,PM5,PS4_SUP,PM2_SUP,PP2,PP3

NM_000090.4(COL3A1):c.719G>T (p.Gly240Val)

Gene: COL3A1 (collagen type III alpha 1 chain; plus strand). Cytogenetic location: 2q32.2.
Variant type: single nucleotide variant.
Coding change: c.719G>T on transcript NM_000090.4 (MANE Select); coding-DNA position 719, G replaced by T.
Protein change: p.Gly240Val; replaces glycine 240 with valine.
Molecular consequence: missense variant.
Genome position (GRCh38, 1-based): chr2:188,990,124, G>T. VCF-style: chr2-188990124-G-T. GRCh37 (hg19) VCF-style: chr2-189854850-G-T.
Other names: short protein forms G240V.
Identifiers: ClinVar variation 5010159 (VCV005010159.1).